The following is an entry in ClinVar:

ClinVar aggregate classification (germline): Uncertain significance (1 of 4 stars; one submission).

gnomAD v4.1: 1 of 1,614,230 alleles (0.000062%); highest among the groups gnomAD compares: Non-Finnish European, 0.000085%; no homozygotes.

Submission:

Labcorp Genetics (formerly Invitae), Labcorp
Classification: Uncertain significance. Last evaluated: 2024-05-24. Review status: criteria provided, single submitter. Criteria: Invitae Variant Classification Sherloc (09022015). Collection method: clinical testing. Allele origin: germline.
Comment: This sequence change replaces arginine, which is basic and polar, with cysteine, which is neutral and slightly polar, at codon 496 of the ADNP protein (p.Arg496Cys). This variant is not present in population databases (gnomAD no frequency). This variant has not been reported in the literature in individuals affected with ADNP-related conditions. An algorithm developed to predict the effect of missense changes on protein structure and function (PolyPhen-2) suggests that this variant is likely to be disruptive. In summary, the available evidence is currently insufficient to determine the role of this variant in disease. Therefore, it has been classified as a Variant of Uncertain Significance.

NM_001282531.3(ADNP):c.1486C>T (p.Arg496Cys)

Gene: ADNP (activity dependent neuroprotector homeobox; minus strand). Cytogenetic location: 20q13.13.
Variant type: single nucleotide variant.
Coding change: c.1486C>T on transcript NM_001282531.3 (MANE Select); coding-DNA position 1486, C replaced by T.
Protein change: p.Arg496Cys; replaces arginine 496 with cysteine.
Molecular consequence: missense variant.
Genome position (GRCh38, 1-based): chr20:50,893,228, G>A on the plus strand (C>T on the coding strand, the complement: ADNP is on the minus strand). VCF-style: chr20-50893228-G-A. GRCh37 (hg19) VCF-style: chr20-49509765-G-A.
Other names: c.1486C>T, p.Arg496Cys (NM_001282532.2, NM_001347511.2, NM_015339.5 and 1 more transcripts); short protein forms R496C.
Identifiers: ClinVar variation 3642452 (VCV003642452.2).